The following is an entry in ClinVar:

ClinVar aggregate classification (germline): Pathogenic/Likely pathogenic. Review status: criteria provided, multiple submitters, no conflicts (2 of 4 stars). 2 submissions from 2 submitters: Pathogenic (1); Likely pathogenic (1). Last evaluated 2015-05-04.

Conditions:
Muscular dystrophy-dystroglycanopathy (congenital with brain and eye anomalies), type A2. Also called: MUSCULAR DYSTROPHY-DYSTROGLYCANOPATHY (CONGENITAL WITH BRAIN AND EYE ANOMALIES), TYPE A, 2; WALKER-WARBURG SYNDROME OR MUSCLE-EYE-BRAIN DISEASE, POMT2-RELATED. Identifiers: Orphanet 588, Orphanet 899, MedGen C3150411, MONDO:0013154, OMIM 613150.
Muscular dystrophy-dystroglycanopathy (congenital with impaired intellectual development), type B, 2. Also called: Muscular dystrophy-dystroglycanopathy (congenital with intellectual disability), type B2; MUSCULAR DYSTROPHY, CONGENITAL, POMT2-RELATED. Identifiers: MedGen C3150416, MONDO:0013160, OMIM 613156.
Autosomal recessive limb-girdle muscular dystrophy type 2N. Also called: MUSCULAR DYSTROPHY-DYSTROGLYCANOPATHY, LIMB-GIRDLE, POMT2-RELATED; Muscular dystrophy-dystroglycanopathy (limb-girdle), type C, 2. Identifiers: Orphanet 206559, MedGen C3150418, MONDO:0013162, OMIM 613158.

Submissions (2):

GeneDx
Classification: Pathogenic. Last evaluated: 2015-05-04. Review status: criteria provided, single submitter. Criteria: GeneDx Variant Classification (06012015). Collection method: clinical testing. Allele origin: germline. Affected: yes.
Comment: The W154X nonsense variant in the POMT2 gene is predicted to cause loss of normal protein function either through protein truncation or nonsense-mediated mRNA decay. Although this variant has not been reported previously to our knowledge, other nonsense variants have been reported in the Human Gene Mutation Database in association with dystroglycanopathy (Stenson et al., 2014). Therefore, W154X is considered to be a pathogenic variant.

Juno Genomics, Hangzhou Juno Genomics, Inc
Classification: Likely pathogenic for Muscular dystrophy-dystroglycanopathy (congenital with impaired intellectual development), type B, 2; Muscular dystrophy-dystroglycanopathy (congenital with brain and eye anomalies), type A2; Autosomal recessive limb-girdle muscular dystrophy type 2N. Review status: criteria provided, single submitter. Criteria: ACMG Guidelines, 2015. Collection method: clinical testing. Allele origin: germline.
Comment: Null variant in a gene where loss of function (LOF) is a known mechanism of disease.;Absent from controls (or at extremely low frequency if recessive) in Genome Aggregation Database.

NM_013382.7(POMT2):c.462G>A (p.Trp154Ter)

Gene: POMT2 (protein O-mannosyltransferase 2; minus strand). Cytogenetic location: 14q24.3.
Variant type: single nucleotide variant.
Coding change: c.462G>A on transcript NM_013382.7 (MANE Select); coding-DNA position 462, G replaced by A.
Protein change: p.Trp154Ter; replaces tryptophan 154 with a stop codon.
Molecular consequence: nonsense.
Genome position (GRCh38, 1-based): chr14:77,304,777, C>T on the plus strand (G>A on the coding strand, the complement: POMT2 is on the minus strand). VCF-style: chr14-77304777-C-T. GRCh37 (hg19) VCF-style: chr14-77771120-C-T.
Other names: short protein forms W154*.
Identifiers: ClinVar variation 427146 (VCV000427146.4), dbSNP rs1085307985, ClinGen allele CA390520842.
Genomic context (GRCh38, chr14:77,304,777, plus strand): 5'-CAGTGCTGCCGAGAGGGACTTGGACAGATCCAGTACAGTGAGGTAGGCAAAGGGGACCAG[C>T]CAGGAGCCAAGGAATGCACAGAACTGTGGGAGGAATAGAGAAGCTGTCAAATAACAAGCT-3'